The following is an entry in ClinVar:

NM_000169.3(GLA):c.852G>A (p.Met284Ile)

Genes: GLA (galactosidase alpha; minus strand), RPL36A-HNRNPH2 (RPL36A-HNRNPH2 readthrough; plus strand). Cytogenetic location: Xq22.1.
Variant type: single nucleotide variant.
Coding change: c.852G>A on transcript NM_000169.3 (MANE Select); coding-DNA position 852, G replaced by A.
Protein change: p.Met284Ile; replaces methionine 284 with isoleucine.
Molecular consequence: missense variant. On other transcripts: non-coding transcript variant (3), intron variant (2).
Genome position (GRCh38, 1-based): chrX:101,398,517, C>T on the plus strand (G>A on the coding strand, the complement: GLA is on the minus strand). VCF-style: chrX-101398517-C-T. GRCh37 (hg19) VCF-style: chrX-100653505-C-T.
Other names: c.975G>A, p.Met325Ile (NM_001406747.1); c.852G>A, p.Met284Ile (NM_001406748.1); c.300+3060C>T (NM_001199973.2); c.177+6695C>T (NM_001199974.2); short protein forms M284I, M325I.
Identifiers: ClinVar variation 3074000 (VCV003074000.2), dbSNP rs2520863779, ClinGen allele CA413922832.

ClinVar aggregate classification (germline): Uncertain significance. Review status: criteria provided, multiple submitters, no conflicts (2 of 4 stars). 2 submissions from 2 submitters: Uncertain significance (2). Last evaluated 2024-01-12.

Conditions:
Fabry disease. Also called: Fabry's disease; ALPHA-GALACTOSIDASE A DEFICIENCY; ANDERSON-FABRY DISEASE; CERAMIDE TRIHEXOSIDASE DEFICIENCY; GLA DEFICIENCY; HEREDITARY DYSTOPIC LIPIDOSIS. Identifiers: Orphanet 324, MedGen C0002986, MONDO:0010526, OMIM 301500, HP:0001071. Disease mechanism: Fabry disease is due to inactivating mutations in the X-linked GLA gene resulting in deficiency of the enzyme Alpha Galactosidase-A., loss of function.

Submissions (2):

Revvity Omics, Revvity
Classification: Uncertain significance. Last evaluated: 2024-01-12. Review status: criteria provided, single submitter. Criteria: ACMG Guidelines, 2015. Collection method: clinical testing. Allele origin: germline.

All of Us Research Program, National Institutes of Health
Classification: Uncertain significance for Fabry disease. Last evaluated: 2023-11-30. Review status: criteria provided, single submitter. Criteria: ACMG Guidelines, 2015. Collection method: clinical testing. Allele origin: germline. Inheritance: X-linked inheritance. Observed: 1 variant allele, 1 heterozygote.
Comment: This study involves interpretation of variants in research participants for the purpose of population health screening. Participant phenotype was not available at the time of variant classification. Additional details can be found in publication PMID: 35346344, PMCID: PMC8962531